The following continues an entry in ClinVar:

NM_002834.5(PTPN11):c.417G>C (p.Glu139Asp)

Gene: PTPN11. ClinVar aggregate classification (germline): Pathogenic. Pathogenic (1).

Submissions 8 to 21 of 50:

Laboratory of Genetics, Children's Clinical University Hospital Latvia
Classification: Pathogenic. Last evaluated: 2025-02-16. Review status: criteria provided, single submitter. Criteria: ACMG Guidelines, 2015. Collection method: clinical testing. Allele origin: germline. Affected: yes. Not counted in ClinVar's aggregate classification.

CeGaT Center for Human Genetics Tuebingen
Classification: Pathogenic. Last evaluated: 2025-02-01. Review status: criteria provided, single submitter. Criteria: CeGaT Center For Human Genetics Tuebingen Variant Classification Criteria Version 2. Collection method: clinical testing. Allele origin: germline. Affected: yes. Observed: 4 variant alleles. Not counted in ClinVar's aggregate classification.
Comment: PTPN11: PS1, PS2, PM2, PS4:Moderate, PP2, PP3, PS3:Supporting

Mayo Clinic Laboratories, Mayo Clinic
Classification: Pathogenic. Last evaluated: 2024-07-10. Review status: criteria provided, single submitter. Criteria: ACMG Guidelines, 2015. Collection method: clinical testing. Allele origin: germline. Not counted in ClinVar's aggregate classification.
Comment: PP2, PP3, PM2, PM6_strong, PS3, PS4

Genomic Medicine Center of Excellence, King Faisal Specialist Hospital and Research Centre
Classification: Pathogenic for Noonan syndrome 1. Last evaluated: 2024-03-14. Review status: criteria provided, single submitter. Criteria: ACMG Guidelines, 2015. Collection method: clinical testing. Allele origin: germline. Not counted in ClinVar's aggregate classification.

Department of Human Genetics, Hannover Medical School
Classification: Pathogenic for Noonan syndrome 1. Last evaluated: 2024-01-19. Review status: criteria provided, single submitter. Criteria: ACMG Guidelines, 2015. Collection method: clinical testing. Allele origin: germline. Affected: yes. Not counted in ClinVar's aggregate classification.

ARUP Laboratories, Molecular Genetics and Genomics, ARUP Laboratories
Classification: Pathogenic. Last evaluated: 2023-10-02. Review status: criteria provided, single submitter. Criteria: ARUP Molecular Germline Variant Investigation Process 2024. Collection method: clinical testing. Allele origin: germline. Not counted in ClinVar's aggregate classification.
Comment: The PTPN11 c.417G>C; p.Glu139Asp variant (rs397507520) is frequently found in patients diagnosed with Noonan syndrome (Houweling 2010, Hung 2007, Jongmans 2004, Ko 2008, Musante 2002, Nair 2015, Pauli 2012, Tartaglia 2002, Tartaglia 2006). This variant is also reported in ClinVar (Variation ID: 40513). It is absent from the Genome Aggregation Database, indicating it is not a common polymorphism. The glutamate residue is located in the C-SH2 domain of PTPN11 (Hof 1998, Muller 2013, Qiu 2014), and the p.Glu139Asp variant is shown to alter the binding specificity of PTPN11 to phospho-tyrosine peptides (Martinelli 2008, Qiu 2014). Functional characterization of the p.Glu139Asp protein indicates increased catalytic activity upon stimulation (Eduoard 2010, Keilhack 2005, Martinelli 2008, Tartaglia 2006), consistent with the established disease mechanisms of Noonan syndrome. Based on available information, this variant is considered to be pathogenic. References: Eduoard T et al. Functional effects of PTPN11 (SHP2) mutations causing LEOPARD syndrome on epidermal growth factor-induced phosphoinositide 3-kinase/AKT/glycogen synthase kinase 3beta signaling. Mol Cell Biol. 2010; 30(10):2498-507. Hof P et al. Crystal structure of the tyrosine phosphatase SHP-2. Cell. 1998; 92(4): 441-450. Houweling A et al. Prenatal detection of Noonan syndrome by mutation analysis of the PTPN11 and the KRAS genes. Prenat Diagn. 2010; 30(3):284-6. Hung C et al. Mutational analysis of PTPN11 gene in Taiwanese children with Noonan syndrome. J Formos Med Assoc. 2007; 106(2):169-72. Jongmans M et al. Genetics and variation in phenotype in Noonan syndrome. Horm Res. 2004; 62 Suppl 3:56-9. Keilhack H et al. Diverse biochemical properties of Shp2 mutants. Implications for disease phenotypes. J Biol Chem. 2005; 280(35):30984-93. Ko J et al. PTPN11, SOS1, KRAS, and RAF1 gene analysis, and genotype-phenotype correlation in Korean patients with Noonan syndrome. J Hum Genet. 2008; 53(11-12):999-1006. Martinelli S et al. Diverse driving forces underlie the invariant occurrence of the T42A, E139D, I282V and T468M SHP2 amino acid substitutions causing Noonan and LEOPARD syndromes. Hum Mol Genet. 2008; 17(13):2018-29. Muller PJ et al. Protein tyrosine phosphatase SHP2/PTPN11 mistargeting as a consequence of SH2-domain point mutations associated with Noonan Syndrome and leukemia. J Proteomics. 2013 Jun 12;84:132-47. Musante L et al. Spectrum of mutations in PTPN11 and genotype-phenotype correlation in 96 patients with Noonan syndrome and five patients with cardio-facio-cutaneous syndrome. Eur J Hum Genet. 2003; 11(2):201-6. Nair S et al. Optic nerve pilomyxoid astrocytoma in a patient with Noonan syndrome. Pediatr Blood Cancer. 2015; 62(6):1084-6. Pauli S et al. Occurrence of acute lymphoblastic leukemia and juvenile myelomonocytic leukemia in a patient with Noonan syndrome carrying the germline PTPN11 mutation p.E139D. Am J Med Genet A 2012; 158A(3):652-8. Qiu W et al. Structural insights into Noonan/LEOPARD syndrome-related mutants of protein-tyrosine phosphatase SHP2 (PTPN11). BMC Struct Biol. 2014; 14:10. Tartaglia M et al. PTPN11 mutations in Noonan syndrome: molecular spectrum, genotype-phenotype correlation, and phenotypic heterogeneity. Am J Hum Genet. 2002; 70(6): 1555-1563. Tartaglia M et al. Diversity and functional consequences of germline and somatic PTPN11 mutations in human disease. Am J Hum Genet. 2006; 78(2): 279-290.

Victorian Clinical Genetics Services, Murdoch Childrens Research Institute
Classification: Pathogenic for Noonan syndrome 1. Last evaluated: 2023-07-17. Review status: criteria provided, single submitter. Criteria: ACMG Guidelines, 2015. Collection method: clinical testing. Allele origin: germline. Inheritance: Autosomal dominant inheritance. Affected: yes. Not counted in ClinVar's aggregate classification.
Comment: Based on the classification scheme VCGS_Germline_v1.3.4, this variant is classified as Pathogenic. Following criteria are met: 0103 - Both loss of function and gain of function are known mechanisms of disease for this gene. Metachondromatosis (MIM#156250) and Noonan syndrome with multiple lentigines have been associated with loss of function variants, whereas Noonan syndrome 1 (MIM#163950) is caused by gain of function variants (PMIDs: 11992261, 24935154, 21533187; ClinGen expert panel). (I) 0107 - This gene is associated with autosomal dominant disease. (I) 0115 - Variants in this gene are known to have variable expressivity. Noonan syndrome is known to have variable expressivity (GeneReviews). (I) 0200 - Variant is predicted to result in a missense amino acid change from glutamic acid to aspartic acid. (I) 0251 - This variant is heterozygous. (I) 0301 - Variant is absent from gnomAD (both v2 and v3). (SP) 0600 - Variant is located in the annotated SH2 domain (DECIPHER). (I) 0801 - This variant has strong previous evidence of pathogenicity in unrelated individuals. It is one of the most common variants causing Noonan syndrome and has been classified as pathogenic by the ClinGen expert panel (ClinVar). (SP) Legend: (SP) - Supporting pathogenic, (I) - Information, (SB) - Supporting benign

Baylor Genetics
Classification: Pathogenic for Metachondromatosis. Last evaluated: 2023-03-07. Review status: criteria provided, single submitter. Criteria: ACMG Guidelines, 2015. Collection method: clinical testing. Allele origin: unknown. Not counted in ClinVar's aggregate classification.

Baylor Genetics
Classification: Pathogenic for LEOPARD syndrome 1. Last evaluated: 2023-03-07. Review status: criteria provided, single submitter. Criteria: ACMG Guidelines, 2015. Collection method: clinical testing. Allele origin: unknown. Not counted in ClinVar's aggregate classification.

Baylor Genetics
Classification: Pathogenic for Noonan syndrome 1. Last evaluated: 2023-03-07. Review status: criteria provided, single submitter. Criteria: ACMG Guidelines, 2015. Collection method: clinical testing. Allele origin: unknown. Not counted in ClinVar's aggregate classification.

Institute of Human Genetics Munich, TUM University Hospital
Classification: Pathogenic for Noonan syndrome 1. Last evaluated: 2022-12-16. Review status: criteria provided, single submitter. Criteria: Classification criteria August 2017. Collection method: clinical testing. Allele origin: maternal. Inheritance: Autosomal dominant inheritance. Affected: yes. Observed: 1 variant allele. Not counted in ClinVar's aggregate classification.

Laboratorio de Genetica e Diagnostico Molecular, Hospital Israelita Albert Einstein
Classification: Pathogenic for Noonan syndrome 1. Last evaluated: 2022-10-29. Review status: criteria provided, single submitter. Criteria: ACMG Guidelines, 2015. Collection method: clinical testing. Allele origin: germline. Affected: yes. Observed: 1 variant allele. Not counted in ClinVar's aggregate classification.
Comment: ACMG classification criteria: PS2 strong, PS3 strong, PS4 strong, PM2 moderated, PP2 supporting, PP3 supporting

Clinical Genetics Laboratory, Skane University Hospital Lund
Classification: Pathogenic. Last evaluated: 2022-05-27. Review status: criteria provided, single submitter. Criteria: ACMG Guidelines, 2015. Collection method: clinical testing. Allele origin: germline. Affected: yes. Not counted in ClinVar's aggregate classification.

MGZ Medical Genetics Center
Classification: Pathogenic for Noonan syndrome 1. Last evaluated: 2022-03-14. Review status: criteria provided, single submitter. Criteria: ACMG Guidelines, 2015. Collection method: clinical testing. Allele origin: germline. Affected: yes. Observed: 1 variant allele. Not counted in ClinVar's aggregate classification.
Comment: ACMG criteria applied: PS2_VSTR, PS3, PS4, PM2_SUP, PP2, PP3